The following is an entry in ClinVar:

ClinVar aggregate classification (germline): Uncertain significance. Review status: criteria provided, multiple submitters, no conflicts (2 of 4 stars). 2 submissions from 2 submitters: Uncertain significance (2). Last evaluated 2025-07-22.

Conditions:
Supravalvar aortic stenosis (SVAS). Also called: Supravalvar aortic stenosis, Eisenberg type. Identifiers: Orphanet 3193, MedGen C0003499, MONDO:0008504, OMIM 185500, HP:0004381.

Submissions (2):

Labcorp Genetics (formerly Invitae), Labcorp
Classification: Uncertain significance for Supravalvar aortic stenosis. Last evaluated: 2025-07-22. Review status: criteria provided, single submitter. Criteria: Invitae Variant Classification Sherloc (09022015). Collection method: clinical testing. Allele origin: germline.
Comment: This variant, c.1034_1057dup, results in the insertion of 8 amino acid(s) of the ELN protein (p.Gly345_Pro352dup), but otherwise preserves the integrity of the reading frame. This variant is not present in population databases (gnomAD no frequency). This variant has not been reported in the literature in individuals affected with ELN-related conditions. ClinVar contains an entry for this variant (Variation ID: 1308747). In summary, the available evidence is currently insufficient to determine the role of this variant in disease. Therefore, it has been classified as a Variant of Uncertain Significance.

GeneDx
Classification: Uncertain significance. Last evaluated: 2025-04-17. Review status: criteria provided, single submitter. Criteria: GeneDx Variant Classification Process June 2021. Collection method: clinical testing. Allele origin: germline. Affected: yes.
Comment: Reported in cis with c.1741_1742delGGinsCA (referred to as 1829G>A) in a single large family of German descent; of note, one unaffected individual was identified to have a recombination event that led to heterozygosity for the c.1034_1057dup24 variant, but not the c.1741_1742delGGinsCA variant (PMID: 11735026); Not observed in large population cohorts (gnomAD); Analysis of patient-derived cells harboring c.1034_1057dup24 demonstrated no effect on mRNA expression or tropoelastin secretion (PMID: 11735026); In-frame duplication of 8 amino acid(s) in a non-repeat region; This variant is associated with the following publications: (PMID: 11735026)

NM_000501.4(ELN):c.1034_1057dup (p.Gly345_Pro352dup)

Gene: ELN (elastin; plus strand). Cytogenetic location: 7q11.23.
Variant type: Duplication.
Coding change: c.1034_1057dup on transcript NM_000501.4 (MANE Select); coding-DNA positions 1034 to 1057, 24 bases duplicated (GTGTCCCAGGAGCTGGGATTCCAG).
Protein change: p.Gly345_Pro352dup.
Molecular consequence: inframe insertion.
Genome position (GRCh38, 1-based): chr7:74,053,247-74,053,270, GTGTCCCAGGAGCTGGGATTCCAG duplicated; duplicating any 24 consecutive bases within chr7:74,053,246-74,053,270 gives the same sequence; the c. name uses the placement nearest the transcript's 3' end. VCF-style (leftmost placement, unchanged base first): chr7-74053245-T-TGGTGTCCCAGGAGCTGGGATTCCA. GRCh37 (hg19) VCF-style: chr7-73467575-T-TGGTGTCCCAGGAGCTGGGATTCCA.
Other names: c.1004_1027dup, p.Gly335_Pro342dup (NM_001081752.3, NM_001278917.2); c.1049_1072dup, p.Gly350_Pro357dup (NM_001081753.3, NM_001081754.3); c.1034_1057dup, p.Gly345_Pro352dup (NM_001081755.3, NM_001278912.2, NM_001278915.2 and 1 more transcripts); c.926_949dup, p.Gly309_Pro316dup (NM_001278913.2); c.1019_1042dup, p.Gly340_Pro347dup (NM_001278914.2); c.992_1015dup, p.Gly331_Pro338dup (NM_001278916.2); c.902_925dup, p.Gly301_Pro308dup (NM_001278918.2).
Identifiers: ClinVar variation 1308747 (VCV001308747.4), dbSNP rs2131923188, ClinGen allele CA2573052916.